The following is an entry in ClinVar:

ClinVar aggregate classification (germline): Likely pathogenic. Review status: criteria provided, single submitter (1 of 4 stars). 3 submissions from 2 submitters: Likely pathogenic (1). 2 of the submissions do not count toward it. Last evaluated 2026-03-16.

Conditions:
HYDATIDIFORM MOLE, RECURRENT, 6 (HYDM6). Identifiers: MedGen CN382353, OMIM 621721.
KASH5-related disorder. Also called: KASH5-related condition.
Spermatogenic failure 88 (SPGF88). Identifiers: MedGen C5882706, MONDO:0957821, OMIM 620547.

Allele frequency attached by ClinVar (database versions not stated): gnomAD exomes 0.00003.
gnomAD v4.1: 17 of 1,555,988 alleles (0.0011%); highest among the groups gnomAD compares: Middle Eastern, 0.28%; 1 homozygote.

Submissions (3):

PreventionGenetics, part of Exact Sciences
Classification: Likely pathogenic for KASH5-related condition. Last evaluated: 2026-03-16. Review status: criteria provided, single submitter. Criteria: ACMG Guidelines, 2015. Collection method: clinical testing. Allele origin: germline.
Comment: The KASH5 c.1604T>A variant is predicted to result in the amino acid substitution p.Leu535Gln. This variant has been reported in the homozygous state or with another variant in the gene in individuals with male infertility (Alhathal et al. 2020. PubMed ID: 32719396; Supplementary table 2, Nagirnaja et al. 2022. PubMed ID: 36572685). This variant has been shown to impact cellular localization (Bentebbal et al. 2021. PubMed ID: 33980926). This variant has not been reported in a large population database (gnomAD), indicating the variant is rare. This variant is interpreted as likely pathogenic.

OMIM
Classification: Pathogenic for SPERMATOGENIC FAILURE 88. Last evaluated: 2026-09-23. Review status: no assertion criteria provided. Collection method: literature only. Allele origin: germline. Not counted in ClinVar's aggregate classification.

OMIM
Classification: Pathogenic for HYDATIDIFORM MOLE, RECURRENT, 6. Last evaluated: 2026-09-23. Review status: no assertion criteria provided. Collection method: literature only. Allele origin: germline. Not counted in ClinVar's aggregate classification.

Literature cited by the submitters: PubMed 29790874 (cited by OMIM); PubMed 39545410 (cited by OMIM).

NM_144688.5(KASH5):c.1604T>A (p.Leu535Gln)

Gene: KASH5 (KASH domain containing 5; plus strand). Cytogenetic location: 19q13.33.
Variant type: single nucleotide variant.
Coding change: c.1604T>A on transcript NM_144688.5 (MANE Select); coding-DNA position 1604, T replaced by A.
Protein change: p.Leu535Gln; replaces leucine 535 with glutamine.
Molecular consequence: missense variant.
Genome position (GRCh38, 1-based): chr19:49,417,425, T>A. VCF-style: chr19-49417425-T-A. GRCh37 (hg19) VCF-style: chr19-49920682-T-A.
Other names: L535Q; c.1604T>A (NM_144688.4).
Identifiers: ClinVar variation 2626771 (VCV002626771.3), dbSNP rs1439365177, ClinGen allele CA406824207.